The following is an entry in ClinVar:

ClinVar aggregate classification (germline): Uncertain significance (1 of 4 stars; one submission).

Conditions:
Inborn genetic diseases. Identifiers: MedGen C0950123, MeSH D030342.

gnomAD v4.1: 1 of 1,614,150 alleles (0.000062%); highest among the groups gnomAD compares: African/African-American, 0.0013%; no homozygotes.

Submission:

Ambry Genetics
Classification: Uncertain significance for Inborn genetic diseases. Last evaluated: 2025-02-04. Review status: criteria provided, single submitter. Criteria: Ambry Variant Classification Scheme 2023. Collection method: clinical testing. Allele origin: germline.
Comment: The p.G1371A variant (also known as c.4112G>C), located in coding exon 41 of the FANCA gene, results from a G to C substitution at nucleotide position 4112. The glycine at codon 1371 is replaced by alanine, an amino acid with similar properties. This amino acid position is conserved. In addition, this alteration is predicted to be deleterious by in silico analysis. Based on the available evidence, the clinical significance of this variant remains unclear.

NM_000135.4(FANCA):c.4112G>C (p.Gly1371Ala)

Genes: FANCA (FA complementation group A; minus strand), ZNF276 (zinc finger protein 276; plus strand). Cytogenetic location: 16q24.3.
Variant type: single nucleotide variant.
Coding change: c.4112G>C on transcript NM_000135.4 (MANE Select); coding-DNA position 4112, G replaced by C.
Protein change: p.Gly1371Ala; replaces glycine 1371 with alanine.
Molecular consequence: missense variant. On other transcripts: 3 prime UTR variant (2), non-coding transcript variant (4).
Genome position (GRCh38, 1-based): chr16:89,739,188, C>G on the plus strand (G>C on the coding strand, the complement: FANCA is on the minus strand). VCF-style: chr16-89739188-C-G. GRCh37 (hg19) VCF-style: chr16-89805596-C-G.
Other names: c.4112G>C, p.Gly1371Ala (NM_001286167.3); c.*942C>G (NM_001113525.2, NM_152287.4); short protein forms G1371A.
Identifiers: ClinVar variation 3848185 (VCV003848185.1).